The following is an entry in ClinVar:

ClinVar aggregate classification (germline): Pathogenic (1 of 4 stars; one submission).

Submission:

GeneDx
Classification: Pathogenic. Last evaluated: 2017-08-18. Review status: criteria provided, single submitter. Criteria: GeneDx Variant Classification (06012015). Collection method: clinical testing. Allele origin: germline. Affected: yes.
Comment: The L1920X nonsense variant has been reported previously in the Human Gene Mutation Database in association with neurofibromatosis type 1; however, the variant was listed as being obtained via personal communication so no additional information is available (Stenson et al., 2014). This variant is predicted to cause loss of normal protein function either through protein truncation or nonsense-mediated mRNA decay. The variant is not observed in large population cohorts (Lek et al., 2016; 1000 Genomes Consortium et al., 2015; Exome Variant Server). In summary, we consider this variant to be pathogenic.

NM_001042492.3(NF1):c.5822T>A (p.Leu1941Ter)

Gene: NF1 (neurofibromin 1; plus strand). Cytogenetic location: 17q11.2.
Variant type: single nucleotide variant.
Coding change: c.5822T>A on transcript NM_001042492.3 (MANE Select); coding-DNA position 5822, T replaced by A.
Protein change: p.Leu1941Ter; replaces leucine 1941 with a stop codon.
Molecular consequence: nonsense.
Genome position (GRCh38, 1-based): chr17:31,334,847, T>A. VCF-style: chr17-31334847-T-A. GRCh37 (hg19) VCF-style: chr17-29661865-T-A.
Other names: c.5759T>A, p.Leu1920Ter (NM_000267.4); short protein forms L1920*, L1941*.
Identifiers: ClinVar variation 449431 (VCV000449431.2), dbSNP rs1555534375, ClinGen allele CA399010567.